The following is an entry in ClinVar:

ClinVar aggregate classification (germline): Likely pathogenic (1 of 4 stars; one submission).

Conditions:
Usher syndrome type 1B (USH1B). Also called: Usher syndrome type IB. Identifiers: MedGen C1848638, MONDO:0700087.

Submission:

Natera, Inc.
Classification: Likely pathogenic for Usher syndrome type 1B. Last evaluated: 2025-09-18. Review status: criteria provided, single submitter. Criteria: Natera Variant Classification Schema (03/2026). Collection method: clinical testing. Allele origin: germline.
Comment: The c.3430G>T variant in MYO7A is a nonsense variant predicted to introduce a stop codon at amino acid 1144. This variant is expected to result in nonsense mediated decay, truncation, or a dysfunctional protein product. This variant is rare in the general population with a frequency below the threshold expected for the associated phenotype(s). Given the available evidence, this variant is classified as Likely Pathogenic.

NM_000260.4(MYO7A):c.3430G>T (p.Glu1144Ter)

Gene: MYO7A (myosin VIIA; plus strand). Cytogenetic location: 11q13.5.
Variant type: single nucleotide variant.
Coding change: c.3430G>T on transcript NM_000260.4 (MANE Select); coding-DNA position 3430, G replaced by T.
Protein change: p.Glu1144Ter; replaces glutamic acid 1144 with a stop codon.
Molecular consequence: nonsense.
Genome position (GRCh38, 1-based): chr11:77,184,642, G>T. VCF-style: chr11-77184642-G-T. GRCh37 (hg19) VCF-style: chr11-76895687-G-T.
Other names: c.3430G>T, p.Glu1144Ter (NM_001127180.2); c.3397G>T, p.Glu1133Ter (NM_001369365.1); short protein forms E1133*, E1144*.
Identifiers: ClinVar variation 4818022 (VCV004818022.1).